The following is an entry in ClinVar:

NM_000321.3(RB1):c.761G>A (p.Arg254Lys)

Gene: RB1 (RB transcriptional corepressor 1; plus strand). Cytogenetic location: 13q14.2.
Variant type: single nucleotide variant.
Coding change: c.761G>A on transcript NM_000321.3 (MANE Select); coding-DNA position 761, G replaced by A.
Protein change: p.Arg254Lys; replaces arginine 254 with lysine.
Molecular consequence: missense variant.
Genome position (GRCh38, 1-based): chr13:48,362,857, G>A. VCF-style: chr13-48362857-G-A. GRCh37 (hg19) VCF-style: chr13-48936993-G-A.
Other names: short protein forms R254K.
Identifiers: ClinVar variation 576862 (VCV000576862.21), dbSNP rs200674097, ClinGen allele CA249274381.

ClinVar aggregate classification (germline): Conflicting classifications of pathogenicity. Review status: criteria provided, conflicting classifications (1 of 4 stars). 7 submissions from 7 submitters: Uncertain significance (5); Likely benign (2). Last evaluated 2025-12-22.

Conditions:
Malignant tumor of urinary bladder. Also called: Urinary bladder cancer; Bladder cancer; Urinary Bladder Neoplasms. Identifiers: MedGen C0005684, MONDO:0001187, OMIM 109800.
Retinoblastoma (RB1). Also called: RETINOBLASTOMA, SOMATIC. Identifiers: Orphanet 790, MedGen C0035335, MeSH D012175, MONDO:0008380, OMIM 180200, HP:0009919. Disease mechanism: loss of function. Inheritance: Both sporadic and heritable forms are tested..
Hereditary cancer-predisposing syndrome. Also called: Tumor predisposition; Hereditary neoplastic syndrome; Hereditary Cancer Syndrome; Neoplastic Syndromes, Hereditary. Identifiers: Orphanet 140162, MedGen C0027672, MeSH D009386, MONDO:0015356.

Allele frequency attached by ClinVar (database versions not stated): gnomAD exomes 0.00001; gnomAD 0.00002 and 0.00003; TOPMed 0.00003.
gnomAD v4.1: 19 of 1,613,734 alleles (0.0012%); highest among the groups gnomAD compares: Admixed American, 0.0017%; no homozygotes.

Submissions (7):

Labcorp Genetics (formerly Invitae), Labcorp
Classification: Likely benign for Retinoblastoma. Last evaluated: 2025-12-22. Review status: criteria provided, single submitter. Criteria: Invitae Variant Classification Sherloc (09022015). Collection method: clinical testing. Allele origin: germline.

Color Diagnostics, LLC DBA Color Health
Classification: Uncertain significance for Retinoblastoma. Last evaluated: 2024-05-08. Review status: criteria provided, single submitter. Criteria: ACMG Guidelines, 2015. Collection method: clinical testing. Allele origin: germline.
Comment: This missense variant replaces arginine with lysine at codon 254 of the RB1 protein. Computational prediction suggests that this variant may not impact protein structure and function. To our knowledge, functional studies have not been reported for this variant. This variant has not been reported in individuals affected with RB1-related disorders in the literature. This variant has been identified in 3/282558 chromosomes in the general population by the Genome Aggregation Database (gnomAD). The available evidence is insufficient to determine the role of this variant in disease conclusively. Therefore, this variant is classified as a Variant of Uncertain Significance.

All of Us Research Program, National Institutes of Health
Classification: Uncertain significance for Retinoblastoma. Last evaluated: 2024-02-05. Review status: criteria provided, single submitter. Criteria: ACMG Guidelines, 2015. Collection method: clinical testing. Allele origin: germline. Inheritance: Autosomal dominant inheritance. Observed: 7 variant alleles, 7 heterozygotes.
Comment: This missense variant replaces arginine with lysine at codon 254 of the RB1 protein. Computational prediction suggests that this variant may not impact protein structure and function (internally defined REVEL score threshold <= 0.5, PMID: 27666373). To our knowledge, functional studies have not been reported for this variant. This variant has not been reported in individuals affected with RB1-related disorders in the literature. This variant has been identified in 3/282558 chromosomes in the general population by the Genome Aggregation Database (gnomAD). The available evidence is insufficient to determine the role of this variant in disease conclusively. Therefore, this variant is classified as a Variant of Uncertain Significance.

This study involves interpretation of variants in research participants for the purpose of population health screening. Participant phenotype was not available at the time of variant classification. Additional details can be found in publication PMID: 35346344, PMCID: PMC8962531

GeneDx
Classification: Uncertain significance. Last evaluated: 2023-10-20. Review status: criteria provided, single submitter. Criteria: GeneDx Variant Classification Process June 2021. Collection method: clinical testing. Allele origin: germline. Affected: yes.
Comment: Not observed at significant frequency in large population cohorts (gnomAD); In silico analysis supports that this missense variant does not alter protein structure/function; Has not been previously published as pathogenic or benign to our knowledge; This variant is associated with the following publications: (PMID: 23516486)

Baylor Genetics
Classification: Uncertain significance for Malignant tumor of urinary bladder. Last evaluated: 2023-07-14. Review status: criteria provided, single submitter. Criteria: ACMG Guidelines, 2015. Collection method: clinical testing. Allele origin: unknown.

Ambry Genetics
Classification: Likely benign for Hereditary cancer-predisposing syndrome. Last evaluated: 2023-02-14. Review status: criteria provided, single submitter. Criteria: Ambry Variant Classification Scheme 2023. Collection method: clinical testing. Allele origin: germline.

Sema4
Classification: Uncertain significance for Hereditary cancer-predisposing syndrome. Last evaluated: 2022-01-24. Review status: criteria provided, single submitter. Criteria: Sema4 Curation Guidelines. Collection method: curation. Allele origin: germline.
Comment: The RB1 c.761G>A (p.R254K) variant has not been reported in the literature to our knowledge. It was observed in 3/282558 chromosomes across all populations, in the large and broad cohorts of the Genome Aggregation Database (PMID: 32461654). The variant has been reported in ClinVar (Variation ID 576862). Functional studies have not been performed, and in silico predictions of the variant's effect on protein function are inconclusive. The evidence is insufficient to meet ACMG/AMP criteria for classifying the variant as benign or pathogenic. Thus, the clinical significance of this variant is currently uncertain.